The following is an entry in ClinVar:

NM_018112.3(TMEM38B):c.543-10T>G

Gene: TMEM38B (transmembrane protein 38B; plus strand). Cytogenetic location: 9q31.2.
Variant type: single nucleotide variant.
Coding change: c.543-10T>G on transcript NM_018112.3 (MANE Select); 10 bases into the intron before coding-DNA position 543, T replaced by G.
Molecular consequence: intron variant.
Genome position (GRCh38, 1-based): chr9:105,748,063, T>G. VCF-style: chr9-105748063-T-G. GRCh37 (hg19) VCF-style: chr9-108510344-T-G.
Identifiers: ClinVar variation 1029513 (VCV001029513.9), dbSNP rs778527358, ClinGen allele CA5170928.
Genomic context (GRCh38, chr9:105,748,063, plus strand): 5'-GCACTCTTTGAGAAAGTTAGAGATATGTCATATTTATTACTTGCTGATTTAAAATGTGTT[T>G]TATTTTCAGCCCTGCCAAGGTAACCCTGCTGGGGTCAGTTATCTTCACATTCCAGCACAC-3'

ClinVar aggregate classification (germline): Conflicting classifications of pathogenicity. Review status: criteria provided, conflicting classifications (1 of 4 stars). 3 submissions from 3 submitters: Uncertain significance (1); Likely benign (2). Last evaluated 2026-01-28.

Conditions:
Osteogenesis imperfecta type 14. Also called: OI, TYPE XIV; Osteogenesis imperfecta, type xiv. Identifiers: Orphanet 666, MedGen C3554428, MONDO:0014029, OMIM 615066.

Allele frequency attached by ClinVar (database versions not stated): gnomAD exomes 0.00002; TOPMed 0.00002; ExAC 0.00003.
gnomAD v4.1: 110 of 1,592,126 alleles (0.0069%); highest among the groups gnomAD compares: Middle Eastern, 1%; 2 homozygotes.

Submissions (3):

Labcorp Genetics (formerly Invitae), Labcorp
Classification: Likely benign. Last evaluated: 2026-01-28. Review status: criteria provided, single submitter. Criteria: Invitae Variant Classification Sherloc (09022015). Collection method: clinical testing. Allele origin: germline.

Blueprint Genetics
Classification: Likely benign. Last evaluated: 2024-09-25. Review status: criteria provided, single submitter. Criteria: ACMG Guidelines, 2015. Collection method: clinical testing. Allele origin: germline.

Baylor Genetics
Classification: Uncertain significance for Osteogenesis imperfecta type 14. Last evaluated: 2019-08-13. Review status: criteria provided, single submitter. Criteria: ACMG Guidelines, 2015. Collection method: clinical testing. Allele origin: unknown. Affected: yes.
Comment: This variant was determined to be of uncertain significance according to ACMG Guidelines, 2015 [PMID:25741868].